The following is an entry in ClinVar:

NM_001846.4(COL4A2):c.3508G>A (p.Gly1170Arg)

Gene: COL4A2 (collagen type IV alpha 2 chain; plus strand). Cytogenetic location: 13q34.
Variant type: single nucleotide variant.
Coding change: c.3508G>A on transcript NM_001846.4 (MANE Select); coding-DNA position 3508, G replaced by A.
Protein change: p.Gly1170Arg; replaces glycine 1170 with arginine.
Molecular consequence: missense variant.
Genome position (GRCh38, 1-based): chr13:110,492,123, G>A. VCF-style: chr13-110492123-G-A. GRCh37 (hg19) VCF-style: chr13-111144470-G-A.
Other names: short protein forms G1170R.
Identifiers: ClinVar variation 2500603 (VCV002500603.1), dbSNP rs2502182655, ClinGen allele CA388732348.
Genomic context (GRCh38, chr13:110,492,123, plus strand): 5'-CCCCCAGGCTTTCCAGGGCTGACTGGGCCTCCAGGGTCGCAGGGAGAGCTGGGGCGGATT[G>A]GACTGCCTGGTGGCAAAGGAGATGATGGCTGGCCGGGAGCTCCGGGCTTACCAGGTAAGG-3'
Protein context (NP_001837.2, residues 1160-1180): PGSQGELGRI[Gly1170Arg]LPGGKGDDGW

ClinVar aggregate classification (germline): Uncertain significance (1 of 4 stars; one submission).

Allele frequency attached by ClinVar (database versions not stated): gnomAD exomes 0.00001.
gnomAD v4.1: 4 of 1,553,530 alleles (0.00026%); highest among the groups gnomAD compares: Non-Finnish European, 0.00035%; no homozygotes.

Submission:

GeneDx
Classification: Uncertain significance. Last evaluated: 2023-04-25. Review status: criteria provided, single submitter. Criteria: GeneDx Variant Classification Process June 2021. Collection method: clinical testing. Allele origin: germline. Affected: yes.
Comment: Not observed at significant frequency in large population cohorts (gnomAD); In silico analysis supports that this missense variant has a deleterious effect on protein structure/function; Has not been previously published as pathogenic or benign to our knowledge; Affects a glycine residue in a Gly-X-Y motif in the triple helical region of the COL4A2 gene